The following is an entry in ClinVar:

NM_003105.6(SORL1):c.1630G>A (p.Asp544Asn)

Gene: SORL1 (sortilin related receptor 1; plus strand). Cytogenetic location: 11q24.1.
Variant type: single nucleotide variant.
Coding change: c.1630G>A on transcript NM_003105.6 (MANE Select); coding-DNA position 1630, G replaced by A.
Protein change: p.Asp544Asn; replaces aspartic acid 544 with asparagine.
Molecular consequence: missense variant.
Genome position (GRCh38, 1-based): chr11:121,532,497, G>A. VCF-style: chr11-121532497-G-A. GRCh37 (hg19) VCF-style: chr11-121403206-G-A.
Other names: short protein forms D544N.
Identifiers: ClinVar variation 3617145 (VCV003617145.2).
Genomic context (GRCh38, chr11:121,532,497, plus strand): 5'-GTGTCACCATGGATTTTTCCTCTTCAGGCACTTCCTGGACCTCACTACTACACATGGGGA[G>A]ACCACGGCGGAATCATCACGGCCATTGCCCAGGGCATGGAAACCAACGAGCTAAAGTAAG-3'
Protein context (NP_003096.2, residues 534-554): LPGPHYYTWG[Asp544Asn]HGGIITAIAQ

ClinVar aggregate classification (germline): Uncertain significance (1 of 4 stars; one submission).

gnomAD v4.1: 7 of 1,614,136 alleles (0.00043%); highest among the groups gnomAD compares: Non-Finnish European, 0.00059%; no homozygotes.

Submission:

Labcorp Genetics (formerly Invitae), Labcorp
Classification: Uncertain significance. Last evaluated: 2024-08-12. Review status: criteria provided, single submitter. Criteria: Invitae Variant Classification Sherloc (09022015). Collection method: clinical testing. Allele origin: germline.
Comment: This sequence change replaces aspartic acid, which is acidic and polar, with asparagine, which is neutral and polar, at codon 544 of the SORL1 protein (p.Asp544Asn). This variant is present in population databases (rs758683402, gnomAD 0.004%). This variant has not been reported in the literature in individuals affected with SORL1-related conditions. An algorithm developed to predict the effect of missense changes on protein structure and function (PolyPhen-2) suggests that this variant is likely to be disruptive. In summary, the available evidence is currently insufficient to determine the role of this variant in disease. Therefore, it has been classified as a Variant of Uncertain Significance.